The following is an entry in ClinVar:

NM_001347886.2(DNAH3):c.1264G>A (p.Glu422Lys)

Gene: DNAH3 (dynein axonemal heavy chain 3; minus strand). Cytogenetic location: 16p12.3.
Variant type: single nucleotide variant.
Coding change: c.1264G>A on transcript NM_001347886.2 (MANE Select); coding-DNA position 1264, G replaced by A.
Protein change: p.Glu422Lys; replaces glutamic acid 422 with lysine.
Molecular consequence: missense variant.
Genome position (GRCh38, 1-based): chr16:21,125,228, C>T on the plus strand (G>A on the coding strand, the complement: DNAH3 is on the minus strand). VCF-style: chr16-21125228-C-T. GRCh37 (hg19) VCF-style: chr16-21136549-C-T.
Other names: c.1264G>A, p.Glu422Lys (NM_001394581.1); c.1351G>A, p.Glu451Lys (NM_017539.2); short protein forms E422K, E451K.
Identifiers: ClinVar variation 3774939 (VCV003774939.1).

ClinVar aggregate classification (germline): Uncertain significance (1 of 4 stars; one submission).

gnomAD v4.1: 21 of 1,613,512 alleles (0.0013%); highest among the groups gnomAD compares: South Asian, 0.022%; no homozygotes.

Submission:

GeneDx
Classification: Uncertain significance. Last evaluated: 2023-09-01. Review status: criteria provided, single submitter. Criteria: GeneDx Variant Classification Process June 2021. Collection method: clinical testing. Allele origin: germline. Affected: yes.
Comment: In silico analysis supports that this missense variant does not alter protein structure/function; Has not been previously published as pathogenic or benign to our knowledge; Variants in candidate genes are classified as variants of uncertain significance in accordance with ACMG guidelines (Richards et al., 2015)